The following is an entry in ClinVar:

ClinVar aggregate classification (germline): Uncertain significance (1 of 4 stars; one submission).

Conditions:
Neuromuscular disease caused by qualitative or quantitative defects of dysferlin. Also called: Qualitative or quantitative defects of dysferlin; Dysferlinopathy. Identifiers: Orphanet 207073, MedGen C2931687, MONDO:0016145.

Submission:

Labcorp Genetics (formerly Invitae), Labcorp
Classification: Uncertain significance for Neuromuscular disease caused by qualitative or quantitative defects of dysferlin. Last evaluated: 2025-06-20. Review status: criteria provided, single submitter. Criteria: Invitae Variant Classification Sherloc (09022015). Collection method: clinical testing. Allele origin: germline.
Comment: This variant, c.1163_1165dup, results in the insertion of 1 amino acid(s) of the DYSF protein (p.Ala388dup), but otherwise preserves the integrity of the reading frame. This variant is not present in population databases (gnomAD no frequency). This variant has been observed in individual(s) with clinical features of limb-girdle muscular dystrophy (PMID: 31268554). ClinVar contains an entry for this variant (Variation ID: 1379607). Experimental studies and prediction algorithms are not available or were not evaluated, and the functional significance of this variant is currently unknown. In summary, the available evidence is currently insufficient to determine the role of this variant in disease. Therefore, it has been classified as a Variant of Uncertain Significance.

Literature cited by the submitters: PubMed 31268554.

NM_001130987.2(DYSF):c.1259_1261dup (p.Ala420dup)

Gene: DYSF (dysferlin; plus strand). Cytogenetic location: 2p13.2.
Variant type: Duplication.
Coding change: c.1259_1261dup on transcript NM_001130987.2 (MANE Select); coding-DNA positions 1259 to 1261, 3 bases duplicated (CCG; older notation c.1259_1261dupCCG).
Protein change: p.Ala420dup; duplicates alanine 420.
Molecular consequence: inframe insertion.
Genome position (GRCh38, 1-based): chr2:71,526,329-71,526,331, CCG duplicated; duplicating any 3 consecutive bases within chr2:71,526,328-71,526,331 gives the same sequence; the c. name uses the placement nearest the transcript's 3' end. VCF-style (leftmost placement, unchanged base first): chr2-71526327-G-GGCC. GRCh37 (hg19) VCF-style: chr2-71753457-G-GGCC.
Other names: c.1166_1168dup, p.Ala389dup (NM_001130455.2, NM_001130983.2, NM_001130984.2 and 1 more transcripts); c.1163_1165dup, p.Ala388dup (NM_001130976.2, NM_001130977.2, NM_001130978.2 and 1 more transcripts); c.1256_1258dup, p.Ala419dup (NM_001130979.2, NM_001130980.2, NM_001130981.2); c.1259_1261dup, p.Ala420dup (NM_001130982.2, NM_001130985.2).
Identifiers: ClinVar variation 1379607 (VCV001379607.7), dbSNP rs2152748674, ClinGen allele CA2573135851.